The following is an entry in ClinVar:

NM_001374736.1(DST):c.17303A>G (p.His5768Arg)

Gene: DST (dystonin; minus strand). Cytogenetic location: 6p12.1.
Variant type: single nucleotide variant.
Coding change: c.17303A>G on transcript NM_001374736.1 (MANE Select); coding-DNA position 17303, A replaced by G.
Protein change: p.His5768Arg; replaces histidine 5768 with arginine.
Molecular consequence: missense variant. On other transcripts: intron variant (2).
Genome position (GRCh38, 1-based): chr6:56,529,740, T>C on the plus strand (A>G on the coding strand, the complement: DST is on the minus strand). VCF-style: chr6-56529740-T-C. GRCh37 (hg19) VCF-style: chr6-56394538-T-C.
Other names: c.10946A>G, p.His3649Arg (NM_001144769.5); c.10532A>G, p.His3511Arg (NM_001144770.2); c.17303A>G, p.His5768Arg (NM_001374722.1); c.17330A>G, p.His5777Arg (NM_001374734.1); c.9434A>G, p.His3145Arg (NM_015548.5); c.10412A>G, p.His3471Arg (NM_183380.4); c.10377+234A>G (NM_001374730.1); c.16635+234A>G (NM_001374729.1); short protein forms H3511R, H5768R, H3145R, H3649R, H5777R, H3471R.
Identifiers: ClinVar variation 970597 (VCV000970597.6), dbSNP rs755202054, ClinGen allele CA3867459.

ClinVar aggregate classification (germline): Uncertain significance (1 of 4 stars; one submission).

Conditions:
Epidermolysis bullosa simplex 3, localized or generalized intermediate, with BP230 deficiency (EBS3). Also called: Epidermolysis bullosa simplex, autosomal recessive 2; Epidermolysis bullosa simplex due to BP230 deficiency. Identifiers: Orphanet 412181, MedGen C3809470, MONDO:0014180, OMIM 615425.
Hereditary sensory and autonomic neuropathy type 6. Also called: Neuropathy, hereditary sensory and autonomic, type VI; HSAN VI. Identifiers: Orphanet 314381, MedGen C3539003, MONDO:0013839, OMIM 614653.

Allele frequency attached by ClinVar (database versions not stated): ExAC 0.00001; gnomAD 0.00001; gnomAD exomes 0.00001; TOPMed 0.00001.
gnomAD v4.1: 6 of 1,596,856 alleles (0.00038%); highest among the groups gnomAD compares: Non-Finnish European, 0.00051%; no homozygotes.

Submission:

Labcorp Genetics (formerly Invitae), Labcorp
Classification: Uncertain significance for Epidermolysis bullosa simplex 3, localized or generalized intermediate, with BP230 deficiency; Hereditary sensory and autonomic neuropathy type 6. Last evaluated: 2021-10-11. Review status: criteria provided, single submitter. Criteria: Invitae Variant Classification Sherloc (09022015). Collection method: clinical testing. Allele origin: germline.
Comment: In summary, the available evidence is currently insufficient to determine the role of this variant in disease. Therefore, it has been classified as a Variant of Uncertain Significance. Experimental studies and prediction algorithms are not available or were not evaluated, and the functional significance of this variant is currently unknown. This variant has not been reported in the literature in individuals affected with DST-related conditions. This variant is present in population databases (rs755202054, ExAC 0.002%). This sequence change replaces histidine with arginine at codon 3145 of the DST protein (p.His3145Arg). The DST gene has multiple clinically relevant transcripts. This variant occurs in alternate transcript NM_015548.4, and corresponds to NM_001723.5:c.*85777A>G in the primary transcript.